The following is an entry in ClinVar:

ClinVar aggregate classification (germline): Benign/Likely benign. Review status: criteria provided, multiple submitters, no conflicts (2 of 4 stars). 4 submissions from 4 submitters: Benign (2); Likely benign (2). Last evaluated 2025-10-24.

Allele frequency attached by ClinVar (database versions not stated): gnomAD exomes 0.00111; ExAC 0.00176; 1000 Genomes Project 0.00220; TOPMed 0.00277; gnomAD 0.00575.
gnomAD v4.1: 799 of 1,509,196 alleles (0.053%); highest among the groups gnomAD compares: African/African-American, 1.6%; 1 homozygote.

Submissions (4):

Labcorp Genetics (formerly Invitae), Labcorp
Classification: Benign. Last evaluated: 2025-10-24. Review status: criteria provided, single submitter. Criteria: Invitae Variant Classification Sherloc (09022015). Collection method: clinical testing. Allele origin: germline.

Blueprint Genetics
Classification: Likely benign. Last evaluated: 2024-10-18. Review status: criteria provided, single submitter. Criteria: ACMG Guidelines, 2015. Collection method: clinical testing. Allele origin: germline.

GeneDx
Classification: Likely benign. Last evaluated: 2018-02-09. Review status: criteria provided, single submitter. Criteria: GeneDx Variant Classification (06012015). Collection method: clinical testing. Allele origin: germline. Affected: yes.
Comment: This variant is considered likely benign or benign based on one or more of the following criteria: it is a conservative change, it occurs at a poorly conserved position in the protein, it is predicted to be benign by multiple in silico algorithms, and/or has population frequency not consistent with disease.

Laboratory for Molecular Medicine, Mass General Brigham Personalized Medicine
Classification: Benign. Last evaluated: 2015-02-18. Review status: criteria provided, single submitter. Criteria: LMM Criteria. Collection method: clinical testing. Allele origin: germline. Observed: 3 variant alleles.
Comment: c.6472+10C>T in intron 18 of TRIOBP: This variant is not expected to have clinic al significance because it is not located within the conserved region of the spl ice consensus sequence and has been identified in 5.1% (40/774) of African chrom osomes by the Exome Aggregation Consortium (ExAC ).

NM_001039141.3(TRIOBP):c.6472+10C>T

Gene: TRIOBP (TRIO and F-actin binding protein; plus strand). Cytogenetic location: 22q13.1.
Variant type: single nucleotide variant.
Coding change: c.6472+10C>T on transcript NM_001039141.3 (MANE Select); 10 bases into the intron after coding-DNA position 6472, C replaced by T.
Molecular consequence: intron variant.
Genome position (GRCh38, 1-based): chr22:37,765,827, C>T. VCF-style: chr22-37765827-C-T. GRCh37 (hg19) VCF-style: chr22-38161834-C-T.
Other names: c.1333+10C>T (NM_007032.5).
Identifiers: ClinVar variation 165611 (VCV000165611.15), dbSNP rs369182277, ClinGen allele CA178361.